The following is an entry in ClinVar:

ClinVar aggregate classification (germline): Likely pathogenic (1 of 4 stars; one submission).

Conditions:
Hereditary cancer-predisposing syndrome. Also called: Neoplastic Syndromes, Hereditary; Tumor predisposition; Hereditary Cancer Syndrome; Hereditary neoplastic syndrome. Identifiers: Orphanet 140162, MedGen C0027672, MeSH D009386, MONDO:0015356.

Submission:

Ambry Genetics
Classification: Likely pathogenic for Hereditary cancer-predisposing syndrome. Last evaluated: 2026-05-15. Review status: criteria provided, single submitter. Criteria: Ambry Variant Classification Scheme 2023. Collection method: clinical testing. Allele origin: germline.
Comment: The c.5675-26T>C intronic variant results from a T to C substitution 26 nucleotides upstream from coding exon 37 in the ATM gene. This nucleotide position is highly conserved in available vertebrate species. In silico splice site analysis predicts that this alteration will weaken the native splice acceptor site. RNA studies have demonstrated that this variant results in abnormal splicing in the set of samples tested (Ambry internal data). This variant is considered to be rare based on population cohorts in the Genome Aggregation Database (gnomAD). Based on the majority of available evidence to date, this variant is likely to be pathogenic.

NM_000051.4(ATM):c.5675-26T>C

Gene: ATM (ATM serine/threonine kinase; plus strand). Cytogenetic location: 11q22.3.
Variant type: single nucleotide variant.
Coding change: c.5675-26T>C on transcript NM_000051.4 (MANE Select); 26 bases into the intron before coding-DNA position 5675, T replaced by C.
Molecular consequence: intron variant.
Genome position (GRCh38, 1-based): chr11:108,307,871, T>C. VCF-style: chr11-108307871-T-C. GRCh37 (hg19) VCF-style: chr11-108178598-T-C.
Other names: c.5675-26T>C (NM_001351834.2).
Identifiers: ClinVar variation 3966033 (VCV003966033.2).